The following is an entry in ClinVar:

NM_000782.5(CYP24A1):c.990+9G>A

Gene: CYP24A1 (cytochrome P450 family 24 subfamily A member 1; minus strand). Cytogenetic location: 20q13.2.
Variant type: single nucleotide variant.
Coding change: c.990+9G>A on transcript NM_000782.5 (MANE Select); 9 bases into the intron after coding-DNA position 990, G replaced by A.
Molecular consequence: intron variant.
Genome position (GRCh38, 1-based): chr20:54,162,708, C>T on the plus strand (G>A on the coding strand, the complement: CYP24A1 is on the minus strand). VCF-style: chr20-54162708-C-T. GRCh37 (hg19) VCF-style: chr20-52779247-C-T.
Other names: p.?; c.990+9G>A (NM_001128915.2).
Identifiers: ClinVar variation 338821 (VCV000338821.19), dbSNP rs6022993, ClinGen allele CA9915939.

ClinVar aggregate classification (germline): Benign. Review status: criteria provided, multiple submitters, no conflicts (2 of 4 stars). 5 submissions from 5 submitters: Benign (5). Last evaluated 2026-02-01.

Conditions:
Hypercalcemia, infantile, 1 (HCINF1). Identifiers: Orphanet 300547, MedGen CN031131, MONDO:0020739, OMIM 143880.

Allele frequency attached by ClinVar (database versions not stated): gnomAD exomes 0.00742 and 0.01921; ExAC 0.02369; gnomAD 0.07206 and 0.07682; 1000 Genomes Project 0.07827; TOPMed 0.08191; 1000 Genomes Project 30x 0.08307; ESP Exome Variant Server 0.08588.
gnomAD v4.1: 21,971 of 1,577,294 alleles (1.4%); highest among the groups gnomAD compares: African/African-American, 25%; 2,450 homozygotes.

Submissions (5):

Labcorp Genetics (formerly Invitae), Labcorp
Classification: Benign. Last evaluated: 2026-02-01. Review status: criteria provided, single submitter. Criteria: Invitae Variant Classification Sherloc (09022015). Collection method: clinical testing. Allele origin: germline.

Mayo Clinic Laboratories, Mayo Clinic
Classification: Benign. Last evaluated: 2022-03-09. Review status: criteria provided, single submitter. Criteria: ACMG Guidelines, 2015. Collection method: clinical testing. Allele origin: germline. Observed: 11 variant alleles.

GeneDx
Classification: Benign. Last evaluated: 2018-11-10. Review status: criteria provided, single submitter. Criteria: GeneDx Variant Classification Process June 2021. Collection method: clinical testing. Allele origin: germline. Affected: yes.

Illumina Laboratory Services, Illumina
Classification: Benign for Hypercalcemia, infantile, 1. Last evaluated: 2018-01-12. Review status: criteria provided, single submitter. Criteria: ICSL Variant Classification Criteria 13 December 2019. Collection method: clinical testing. Allele origin: germline.
Comment: This variant was observed in the ICSL laboratory as part of a predisposition screen in an ostensibly healthy population. It had not been previously curated by ICSL or reported in the Human Gene Mutation Database (HGMD: prior to June 1st, 2018), and was therefore a candidate for classification through an automated scoring system. Utilizing variant allele frequency, disease prevalence and penetrance estimates, and inheritance mode, an automated score was calculated to assess if this variant is too frequent to cause the disease. Based on the score and internal cut-off values, a variant classified as benign is not then subjected to further curation. The score for this variant resulted in a classification of benign for this disease.

Breakthrough Genomics
Classification: Benign. Review status: criteria provided, single submitter. Criteria: ACMG Guidelines, 2015. Collection method: not provided. Allele origin: germline. Inheritance: Autosomal recessive inheritance. Affected: yes.